The following is an entry in ClinVar:

ClinVar aggregate classification (germline): Uncertain significance (1 of 4 stars; one submission).

Submission:

Labcorp Genetics (formerly Invitae), Labcorp
Classification: Uncertain significance. Last evaluated: 2022-01-16. Review status: criteria provided, single submitter. Criteria: Invitae Variant Classification Sherloc (09022015). Collection method: clinical testing. Allele origin: germline.
Comment: This variant is not present in population databases (gnomAD no frequency). This sequence change replaces aspartic acid, which is acidic and polar, with glycine, which is neutral and non-polar, at codon 2032 of the KMT2A protein (p.Asp2032Gly). In summary, the available evidence is currently insufficient to determine the role of this variant in disease. Therefore, it has been classified as a Variant of Uncertain Significance. Advanced modeling of protein sequence and biophysical properties (such as structural, functional, and spatial information, amino acid conservation, physicochemical variation, residue mobility, and thermodynamic stability) performed at Invitae indicates that this missense variant is expected to disrupt KMT2A protein function. This variant has not been reported in the literature in individuals affected with KMT2A-related conditions.

NM_001197104.2(KMT2A):c.6095A>G (p.Asp2032Gly)

Gene: KMT2A (lysine methyltransferase 2A; plus strand). Cytogenetic location: 11q23.3.
Variant type: single nucleotide variant.
Coding change: c.6095A>G on transcript NM_001197104.2 (MANE Select); coding-DNA position 6095, A replaced by G.
Protein change: p.Asp2032Gly; replaces aspartic acid 2032 with glycine.
Molecular consequence: missense variant.
Genome position (GRCh38, 1-based): chr11:118,499,850, A>G. VCF-style: chr11-118499850-A-G. GRCh37 (hg19) VCF-style: chr11-118370565-A-G.
Other names: c.6185A>G, p.Asp2062Gly (NM_001412597.1); c.6086A>G, p.Asp2029Gly (NM_005933.4); short protein forms D2029G, D2032G, D2062G.
Identifiers: ClinVar variation 2085769 (VCV002085769.4), dbSNP rs2496973088, ClinGen allele CA382799778.